The following is an entry in ClinVar:

NM_003002.4(SDHD):c.242C>G (p.Pro81Arg)

Gene: SDHD (succinate dehydrogenase complex subunit D; plus strand). Cytogenetic location: 11q23.1.
Variant type: single nucleotide variant.
Coding change: c.242C>G on transcript NM_003002.4 (MANE Select); coding-DNA position 242, C replaced by G.
Protein change: p.Pro81Arg; replaces proline 81 with arginine.
Molecular consequence: missense variant. On other transcripts: non-coding transcript variant (1), intron variant (1).
Genome position (GRCh38, 1-based): chr11:112,088,939, C>G. VCF-style: chr11-112088939-C-G. GRCh37 (hg19) VCF-style: chr11-111959663-C-G.
Other names: c.125C>G, p.Pro42Arg (NM_001276504.2); c.242C>G, p.Pro81Arg (NM_001276506.2); c.169+966C>G (NM_001276503.2); short protein forms P42R, P81R.
Identifiers: ClinVar variation 1687625 (VCV001687625.4), dbSNP rs80338844, ClinGen allele CA382617298.

ClinVar aggregate classification (germline): Conflicting classifications of pathogenicity. Review status: criteria provided, conflicting classifications (1 of 4 stars). 2 submissions from 2 submitters: Pathogenic (1); Uncertain significance (1). Last evaluated 2024-01-27.

Conditions:
Paraganglioma. Also called: Carotid body tumor. Identifiers: MedGen C0030421, MONDO:0000448, HP:0002668.
Paragangliomas with sensorineural hearing loss. Identifiers: MedGen C1868633.
Pheochromocytoma. Also called: MAX-Related Hereditary Paraganglioma-Pheochromocytoma Syndrome. Identifiers: Orphanet 29072, MedGen C0031511, MONDO:0008233, OMIM 171300, HP:0002666.
Carney-Stratakis syndrome. Also called: PARAGANGLIOMA AND GASTROINTESTINAL STROMAL TUMOR. Identifiers: Orphanet 97286, MedGen C1847319, MONDO:0011740, OMIM 606864.
Cowden syndrome 3 (CWS3). Identifiers: Orphanet 201, MedGen CN166604, MONDO:0014045.

Submissions (2):

Labcorp Genetics (formerly Invitae), Labcorp
Classification: Uncertain significance for Carney-Stratakis syndrome; Paragangliomas with sensorineural hearing loss; Pheochromocytoma; Cowden syndrome 3. Last evaluated: 2024-01-27. Review status: criteria provided, single submitter. Criteria: Invitae Variant Classification Sherloc (09022015). Collection method: clinical testing. Allele origin: germline.
Comment: This sequence change replaces proline, which is neutral and non-polar, with arginine, which is basic and polar, at codon 81 of the SDHD protein (p.Pro81Arg). This variant is not present in population databases (gnomAD no frequency). This variant has not been reported in the literature in individuals affected with SDHD-related conditions. ClinVar contains an entry for this variant (Variation ID: 1687625). Advanced modeling of protein sequence and biophysical properties (such as structural, functional, and spatial information, amino acid conservation, physicochemical variation, residue mobility, and thermodynamic stability) has been performed at Invitae for this missense variant, however the output from this modeling did not meet the statistical confidence thresholds required to predict the impact of this variant on SDHD protein function. This variant disrupts the p.Pro81 amino acid residue in SDHD. Other variant(s) that disrupt this residue have been determined to be pathogenic (PMID: 10657297, 11391796, 11897817, 15479192, 19454582, 21348866, 21937622, 23433498, 24436918, 25494863). This suggests that this residue is clinically significant, and that variants that disrupt this residue are likely to be disease-causing. In summary, the available evidence is currently insufficient to determine the role of this variant in disease. Therefore, it has been classified as a Variant of Uncertain Significance.

Cancer Variant Interpretation Group UK, Institute of Cancer Research, London
Classification: Pathogenic for Paraganglioma. Last evaluated: 2022-03-11. Review status: criteria provided, single submitter. Criteria: ACMG Guidelines, 2015. Collection method: clinical testing. Allele origin: germline. Affected: yes. Observed: 1 variant allele.

Literature cited by the submitters: PubMed 10657297 (cited by Labcorp Genetics (formerly Invitae), Labcorp); PubMed 11391796 (cited by Labcorp Genetics (formerly Invitae), Labcorp); PubMed 11897817 (cited by Labcorp Genetics (formerly Invitae), Labcorp); PubMed 15479192 (cited by Labcorp Genetics (formerly Invitae), Labcorp); PubMed 19454582 (cited by Labcorp Genetics (formerly Invitae), Labcorp); PubMed 21348866 (cited by Labcorp Genetics (formerly Invitae), Labcorp); PubMed 21937622 (cited by Labcorp Genetics (formerly Invitae), Labcorp); PubMed 23433498 (cited by Labcorp Genetics (formerly Invitae), Labcorp); PubMed 24436918 (cited by Labcorp Genetics (formerly Invitae), Labcorp); PubMed 25494863 (cited by Labcorp Genetics (formerly Invitae), Labcorp); PubMed 34906457 (cited by Cancer Variant Interpretation Group UK, Institute of Cancer Research, London).